The following is an entry in ClinVar:

NM_006237.4(POU4F1):c.671C>T (p.Ala224Val)

Genes: OBI1-AS1 (OBI1 antisense RNA 1; plus strand), POU4F1 (POU class 4 homeobox 1; minus strand). Cytogenetic location: 13q31.1.
Variant type: single nucleotide variant.
Coding change: c.671C>T on transcript NM_006237.4 (MANE Select); coding-DNA position 671, C replaced by T.
Protein change: p.Ala224Val; replaces alanine 224 with valine.
Molecular consequence: missense variant.
Genome position (GRCh38, 1-based): chr13:78,602,004, G>A on the plus strand (C>T on the coding strand, the complement: POU4F1 is on the minus strand). VCF-style: chr13-78602004-G-A. GRCh37 (hg19) VCF-style: chr13-79176139-G-A.
Other names: c.671C>T (NM_006237.3); short protein forms A224V.
Identifiers: ClinVar variation 4535972 (VCV004535972.2).

ClinVar aggregate classification (germline): Uncertain significance. Review status: criteria provided, multiple submitters, no conflicts (2 of 4 stars). 2 submissions from 2 submitters: Uncertain significance (2). Last evaluated 2025-10-30.

Submissions (2):

Ambry Genetics
Classification: Uncertain significance. Last evaluated: 2025-10-30. Review status: criteria provided, single submitter. Criteria: Ambry Variant Classification Scheme 2023. Collection method: clinical testing. Allele origin: germline.

Women's Health and Genetics/Laboratory Corporation of America, LabCorp
Classification: Uncertain significance. Last evaluated: 2025-09-24. Review status: criteria provided, single submitter. Criteria: LabCorp Variant Classification Summary - May 2015. Collection method: clinical testing. Allele origin: germline.
Comment: Variant summary: POU4F1 c.671C>T (p.Ala224Val) results in a non-conservative amino acid change in the encoded protein sequence. Algorithms developed to predict the effect of missense changes on protein structure and function are either unavailable or do not agree on the potential impact of this missense change. The frequency data for this variant in gnomAD is considered unreliable, as metrics indicate poor data quality at this position. To our knowledge, no occurrence of c.671C>T in individuals affected with POU4F1-related conditions and no experimental evidence demonstrating its impact on protein function have been reported. No submitters have cited clinical-significance assessments for this variant to ClinVar. Based on the evidence outlined above, the variant was classified as uncertain significance.